The following is an entry in ClinVar:

NM_020937.4(FANCM):c.4194T>G (p.Tyr1398Ter)

Gene: FANCM (FA complementation group M; plus strand). Cytogenetic location: 14q21.2.
Variant type: single nucleotide variant.
Coding change: c.4194T>G on transcript NM_020937.4 (MANE Select); coding-DNA position 4194, T replaced by G.
Protein change: p.Tyr1398Ter; replaces tyrosine 1398 with a stop codon.
Molecular consequence: nonsense.
Genome position (GRCh38, 1-based): chr14:45,176,948, T>G. VCF-style: chr14-45176948-T-G. GRCh37 (hg19) VCF-style: chr14-45646151-T-G.
Other names: c.4116T>G, p.Tyr1372Ter (NM_001308133.2); short protein forms Y1372*, Y1398*.
Identifiers: ClinVar variation 1419151 (VCV001419151.6), dbSNP rs1235515288, ClinGen allele CA389604704.

ClinVar aggregate classification (germline): Pathogenic (1 of 4 stars; one submission).

Conditions:
Fanconi anemia (FA). Also called: Fanconi's anemia. Identifiers: Orphanet 84, MedGen C0015625, MeSH D005199, MONDO:0019391.

Allele frequency attached by ClinVar (database versions not stated): gnomAD exomes below 0.00001 and 0.00001.
gnomAD v4.1: 8 of 1,601,844 alleles (0.0005%); highest among the groups gnomAD compares: Non-Finnish European, 0.00068%; no homozygotes.

Submission:

Labcorp Genetics (formerly Invitae), Labcorp
Classification: Pathogenic for Fanconi anemia. Last evaluated: 2021-07-22. Review status: criteria provided, single submitter. Criteria: Invitae Variant Classification Sherloc (09022015). Collection method: clinical testing. Allele origin: germline.
Comment: This sequence change creates a premature translational stop signal (p.Tyr1398*) in the FANCM gene. It is expected to result in an absent or disrupted protein product. Loss-of-function variants in FANCM are known to be pathogenic (PMID: 29895858, 30075111). This variant is not present in population databases (ExAC no frequency). This premature translational stop signal has been observed in individual(s) with ovarian cancer (PMID: 28881617). Algorithms developed to predict the effect of sequence changes on RNA splicing suggest that this variant may create or strengthen a splice site. For these reasons, this variant has been classified as Pathogenic.

Literature cited by the submitters: PubMed 29895858; PubMed 30075111; PubMed 28881617.